The following is an entry in ClinVar:

ClinVar aggregate classification (germline): Uncertain significance. Review status: criteria provided, multiple submitters, no conflicts (2 of 4 stars). 2 submissions from 2 submitters: Uncertain significance (2). Last evaluated 2026-02-11.

Conditions:
Hereditary cancer-predisposing syndrome. Also called: Neoplastic Syndromes, Hereditary; Hereditary neoplastic syndrome; Tumor predisposition; Hereditary Cancer Syndrome. Identifiers: Orphanet 140162, MedGen C0027672, MeSH D009386, MONDO:0015356.

Submissions (2):

Ambry Genetics
Classification: Uncertain significance for Hereditary cancer-predisposing syndrome. Last evaluated: 2026-02-11. Review status: criteria provided, single submitter. Criteria: Ambry Variant Classification Scheme 2023. Collection method: clinical testing. Allele origin: germline.
Comment: The p.E194K variant (also known as c.580G>A), located in coding exon 6 of the BMPR1A gene, results from a G to A substitution at nucleotide position 580. The glutamic acid at codon 194 is replaced by lysine, an amino acid with similar properties. This amino acid position is well conserved in available vertebrate species. In addition, the in silico prediction for this alteration is inconclusive. Based on the available evidence, the clinical significance of this variant remains unclear.

Color Diagnostics, LLC DBA Color Health
Classification: Uncertain significance for Hereditary cancer-predisposing syndrome. Last evaluated: 2025-09-11. Review status: criteria provided, single submitter. Criteria: ACMG Guidelines, 2015. Collection method: clinical testing. Allele origin: germline.
Comment: This missense variant replaces glutamic acid with lysine at codon 194 of the BMPR1A protein. Computational prediction suggests that this variant may not impact protein structure and function. To our knowledge, functional studies have not been reported for this variant. This variant has not been reported in individuals affected with BMPR1A-related disorders in the literature. This variant has not been identified in the general population by the Genome Aggregation Database (gnomAD). The available evidence is insufficient to determine the role of this variant in disease conclusively. Therefore, this variant is classified as a Variant of Uncertain Significance.

NM_004329.3(BMPR1A):c.580G>A (p.Glu194Lys)

Gene: BMPR1A (bone morphogenetic protein receptor type 1A; plus strand). Cytogenetic location: 10q23.2.
Variant type: single nucleotide variant.
Coding change: c.580G>A on transcript NM_004329.3 (MANE Select); coding-DNA position 580, G replaced by A.
Protein change: p.Glu194Lys; replaces glutamic acid 194 with lysine.
Molecular consequence: missense variant. On other transcripts: non-coding transcript variant (3), intron variant (1).
Genome position (GRCh38, 1-based): chr10:86,912,289, G>A. VCF-style: chr10-86912289-G-A. GRCh37 (hg19) VCF-style: chr10-88672046-G-A.
Other names: c.580G>A, p.Glu194Lys (NM_001406583.1, NM_001406561.1, NM_001406562.1 and 20 more transcripts); c.496G>A, p.Glu166Lys (NM_001406584.1, NM_001406585.1, NM_001406586.1 and 2 more transcripts); c.334-4845G>A (NM_001406589.1); c.655G>A, p.Glu219Lys (NM_001406559.1); c.628G>A, p.Glu210Lys (NM_001406560.1); short protein forms E166K, E194K, E210K, E219K.
Identifiers: ClinVar variation 4756489 (VCV004756489.2).